The following is an entry in ClinVar:

NM_001278116.2(L1CAM):c.1615T>G (p.Cys539Gly)

Gene: L1CAM (L1 cell adhesion molecule; minus strand). Cytogenetic location: Xq28.
Variant type: single nucleotide variant.
Coding change: c.1615T>G on transcript NM_001278116.2 (MANE Select); coding-DNA position 1615, T replaced by G.
Protein change: p.Cys539Gly; replaces cysteine 539 with glycine.
Molecular consequence: missense variant.
Genome position (GRCh38, 1-based): chrX:153,868,390, A>C on the plus strand (T>G on the coding strand, the complement: L1CAM is on the minus strand). VCF-style: chrX-153868390-A-C. GRCh37 (hg19) VCF-style: chrX-153133845-A-C.
Other names: c.1615T>G, p.Cys539Gly (NM_000425.5, NM_024003.3); c.1600T>G, p.Cys534Gly (NM_001143963.2); short protein forms C539G, C534G.
Identifiers: ClinVar variation 279601 (VCV000279601.2), dbSNP rs886041102, ClinGen allele CA10602720.

ClinVar aggregate classification (germline): Likely pathogenic (0 of 4 stars; one submission).

Conditions:
X-linked hydrocephalus syndrome (HYCX). Also called: AQUEDUCTAL STENOSIS, X-LINKED; X-Linked Hydrocephalus with Stenosis of the Aqueduct of Sylvius; X-linked hydrocephalus; X-Linked Hydrocephalus with Stenosis of the Aqueduct of Sylvius (HSAS); HYDROCEPHALUS, CONGENITAL, X-LINKED. Identifiers: Orphanet 2182, MedGen C0265216, MONDO:0010611, OMIM 307000.

Submission:

MVZ Praenatalmedizin und Genetik Nuernberg
Classification: Likely pathogenic for X-linked hydrocephalus syndrome. Last evaluated: 2016-04-01. Review status: no assertion criteria provided. Collection method: clinical testing. Allele origin: maternal. Affected: yes. Observed: 1 variant allele, 1 hemizygote.
Comment: Multiple in silico analyses with pathogenic consent